The following is an entry in ClinVar:

ClinVar aggregate classification (germline): Pathogenic. Review status: criteria provided, multiple submitters, no conflicts (2 of 4 stars). 4 submissions from 4 submitters: Pathogenic (4). Last evaluated 2024-12-24.

Conditions:
Autosomal recessive nonsyndromic hearing loss 2. Also called: DEAFNESS, AUTOSOMAL RECESSIVE 2; NEUROSENSORY NONSYNDROMIC RECESSIVE DEAFNESS 2. Identifiers: Orphanet 90636, MedGen C1838701, MONDO:0010807, OMIM 600060.
Ear malformation. Also called: Abnormality of the ear; CUP EAR. Identifiers: MedGen C0266589, MONDO:0007500, OMIM 128600, HP:0000598.

Allele frequency attached by ClinVar (database versions not stated): gnomAD exomes below 0.00001; gnomAD 0.00001.
gnomAD v4.1: 4 of 1,613,510 alleles (0.00025%); highest among the groups gnomAD compares: Middle Eastern, 0.016%; no homozygotes.

Submissions (4):

Labcorp Genetics (formerly Invitae), Labcorp
Classification: Pathogenic. Last evaluated: 2024-12-24. Review status: criteria provided, single submitter. Criteria: Invitae Variant Classification Sherloc (09022015). Collection method: clinical testing. Allele origin: germline.
Comment: This sequence change creates a premature translational stop signal (p.Arg570*) in the MYO7A gene. It is expected to result in an absent or disrupted protein product. Loss-of-function variants in MYO7A are known to be pathogenic (PMID: 8900236, 25404053). This variant is not present in population databases (gnomAD no frequency). This premature translational stop signal has been observed in individual(s) with autosomal recessive Usher syndrome or nonsyndromic deafness (PMID: 24618850, 27344577). ClinVar contains an entry for this variant (Variation ID: 802705). For these reasons, this variant has been classified as Pathogenic.

Genome-Nilou Lab
Classification: Pathogenic for Autosomal recessive nonsyndromic hearing loss 2. Last evaluated: 2021-07-22. Review status: criteria provided, single submitter. Criteria: ACMG Guidelines, 2015. Collection method: clinical testing. Allele origin: germline. Affected: no.

Kariminejad - Najmabadi Pathology & Genetics Center
Classification: Pathogenic for Ear malformation. Last evaluated: 2021-07-10. Review status: criteria provided, single submitter. Criteria: ACMG Guidelines, 2015. Collection method: clinical testing. Allele origin: germline. Affected: yes.

Mendelics
Classification: Pathogenic for Autosomal recessive nonsyndromic hearing loss 2. Last evaluated: 2019-05-28. Review status: criteria provided, single submitter. Criteria: Mendelics Assertion Criteria 2017. Collection method: clinical testing. Allele origin: unknown.

Literature cited by the submitters: PubMed 8900236 (cited by Labcorp Genetics (formerly Invitae), Labcorp); PubMed 25404053 (cited by Labcorp Genetics (formerly Invitae), Labcorp); PubMed 24618850 (cited by Labcorp Genetics (formerly Invitae), Labcorp); PubMed 27344577 (cited by Labcorp Genetics (formerly Invitae), Labcorp).

NM_000260.4(MYO7A):c.1708C>T (p.Arg570Ter)

Gene: MYO7A (myosin VIIA; plus strand). Cytogenetic location: 11q13.5.
Variant type: single nucleotide variant.
Coding change: c.1708C>T on transcript NM_000260.4 (MANE Select); coding-DNA position 1708, C replaced by T.
Protein change: p.Arg570Ter; replaces arginine 570 with a stop codon.
Molecular consequence: nonsense.
Genome position (GRCh38, 1-based): chr11:77,166,073, C>T. VCF-style: chr11-77166073-C-T. GRCh37 (hg19) VCF-style: chr11-76877119-C-T.
Other names: c.1708C>T, p.Arg570Ter (NM_001127180.2); c.1675C>T, p.Arg559Ter (NM_001369365.1); short protein forms R559*, R570*.
Identifiers: ClinVar variation 802705 (VCV000802705.31), dbSNP rs1591310948, ClinGen allele CA381936926.